The following is an entry in ClinVar:

NM_001447.3(FAT2):c.10978G>T (p.Asp3660Tyr)

Genes: FAT2 (FAT atypical cadherin 2; minus strand), SLC36A1 (solute carrier family 36 member 1; plus strand). Cytogenetic location: 5q33.1.
Variant type: single nucleotide variant.
Coding change: c.10978G>T on transcript NM_001447.3 (MANE Select); coding-DNA position 10978, G replaced by T.
Protein change: p.Asp3660Tyr; replaces aspartic acid 3660 with tyrosine.
Molecular consequence: missense variant.
Genome position (GRCh38, 1-based): chr5:151,521,615, C>A on the plus strand (G>T on the coding strand, the complement: FAT2 is on the minus strand). VCF-style: chr5-151521615-C-A. GRCh37 (hg19) VCF-style: chr5-150901176-C-A.
Other names: short protein forms D3660Y.
Identifiers: ClinVar variation 2793413 (VCV002793413.3), dbSNP rs1561823101, ClinGen allele CA361824297.
Genomic context (GRCh38, chr5:151,521,615, plus strand): 5'-CACCAGCCACGGCCTCTGCAGGCTGGAGGCTGGCCAAGTGAATGTTAGCCCGTTTGATGT[C>A]CAGCTTATGGCTGAGGAACCTCTGCAGGTTCCGCCAGTGGTCACTCACCAGCTCCTCGGG-3'
Protein context (NP_001438.1, residues 3650-3670): NLQRFLSHKL[Asp3660Tyr]IKRANIHLAS

ClinVar aggregate classification (germline): Uncertain significance (1 of 4 stars; one submission).

Allele frequency attached by ClinVar (database versions not stated): gnomAD 0.00001; gnomAD exomes 0.00001.
gnomAD v4.1: 12 of 1,614,094 alleles (0.00074%); highest among the groups gnomAD compares: Non-Finnish European, 0.001%; no homozygotes.

Submission:

Labcorp Genetics (formerly Invitae), Labcorp
Classification: Uncertain significance. Last evaluated: 2022-12-03. Review status: criteria provided, single submitter. Criteria: Invitae Variant Classification Sherloc (09022015). Collection method: clinical testing. Allele origin: germline.
Comment: This variant is not present in population databases (gnomAD no frequency). This sequence change replaces aspartic acid, which is acidic and polar, with tyrosine, which is neutral and polar, at codon 3660 of the FAT2 protein (p.Asp3660Tyr). This variant has not been reported in the literature in individuals affected with FAT2-related conditions. Algorithms developed to predict the effect of missense changes on protein structure and function are either unavailable or do not agree on the potential impact of this missense change (SIFT: "Tolerated"; PolyPhen-2: "Possibly Damaging"; Align-GVGD: "Class C0"). In summary, the available evidence is currently insufficient to determine the role of this variant in disease. Therefore, it has been classified as a Variant of Uncertain Significance.